The following is an entry in ClinVar:

ClinVar aggregate classification (germline): Likely benign (1 of 4 stars; one submission).

Conditions:
DNAJC13-related disorder. Also called: DNAJC13-related condition.

gnomAD v4.1: 2,785 of 1,613,818 alleles (0.17%); highest among the groups gnomAD compares: Non-Finnish European, 0.2%; 8 homozygotes.

Submission:

PreventionGenetics, part of Exact Sciences
Classification: Likely benign for DNAJC13-related condition. Last evaluated: 2025-12-11. Review status: criteria provided, single submitter. Criteria: ACMG Guidelines, 2015. Collection method: clinical testing. Allele origin: germline.
Comment: This variant is classified as likely benign based on ACMG/AMP sequence variant interpretation guidelines (Richards et al. 2015 PMID: 25741868, with internal and published modifications).

NM_015268.4(DNAJC13):c.5218G>C (p.Glu1740Gln)

Gene: DNAJC13 (DnaJ heat shock protein family (Hsp40) member C13; plus strand). Cytogenetic location: 3q22.1.
Variant type: single nucleotide variant.
Coding change: c.5218G>C on transcript NM_015268.4 (MANE Select); coding-DNA position 5218, G replaced by C.
Protein change: p.Glu1740Gln; replaces glutamic acid 1740 with glutamine.
Molecular consequence: missense variant.
Genome position (GRCh38, 1-based): chr3:132,511,169, G>C. VCF-style: chr3-132511169-G-C. GRCh37 (hg19) VCF-style: chr3-132230013-G-C.
Other names: c.5233G>C, p.Glu1745Gln (NM_001329126.2); short protein forms E1745Q, E1740Q.
Identifiers: ClinVar variation 4979532 (VCV004979532.1).